The following is an entry in ClinVar:

NM_024611.6(ICE2):c.416A>G (p.Lys139Arg)

Gene: ICE2 (interactor of little elongation complex ELL subunit 2; minus strand). Cytogenetic location: 15q22.2.
Variant type: single nucleotide variant.
Coding change: c.416A>G on transcript NM_024611.6 (MANE Select); coding-DNA position 416, A replaced by G.
Protein change: p.Lys139Arg; replaces lysine 139 with arginine.
Molecular consequence: missense variant. On other transcripts: non-coding transcript variant (1).
Genome position (GRCh38, 1-based): chr15:60,466,706, T>C on the plus strand (A>G on the coding strand, the complement: ICE2 is on the minus strand). VCF-style: chr15-60466706-T-C. GRCh37 (hg19) VCF-style: chr15-60758905-T-C.
Other names: c.5A>G, p.Lys2Arg (NM_001018089.3); c.416A>G, p.Lys139Arg (NM_001276385.2); short protein forms K139R, K2R.
Identifiers: ClinVar variation 252741 (VCV000252741.27), dbSNP rs141469235, ClinGen allele CA7593323.

ClinVar aggregate classification (germline): Benign/Likely benign. Review status: criteria provided, multiple submitters, no conflicts (2 of 4 stars). 3 submissions from 3 submitters: Benign (2); Likely benign (1). Last evaluated 2022-05-01.

Allele frequency attached by ClinVar (database versions not stated): 1000 Genomes Project 30x 0.00297; gnomAD 0.00315 and 0.00336; 1000 Genomes Project 0.00319; ESP Exome Variant Server 0.00338; TOPMed 0.00381; gnomAD exomes 0.00383 and 0.00449; ExAC 0.00464.
gnomAD v4.1: 6,149 of 1,599,936 alleles (0.38%); highest among the groups gnomAD compares: Middle Eastern, 3.7%; 45 homozygotes.

Submissions (3):

CeGaT Center for Human Genetics Tuebingen
Classification: Likely benign. Last evaluated: 2022-05-01. Review status: criteria provided, single submitter. Criteria: CeGaT Center For Human Genetics Tuebingen Variant Classification Criteria Version 2. Collection method: clinical testing. Allele origin: germline. Affected: yes. Observed: 1 variant allele.
Comment: ICE2: BP4

Genomic Diagnostic Laboratory, Division of Genomic Diagnostics, Children's Hospital of Philadelphia
Classification: Benign. Last evaluated: 2015-08-10. Review status: criteria provided, single submitter. Criteria: DGD Variant Analysis Guidelines. Collection method: clinical testing. Allele origin: unknown.

Breakthrough Genomics
Classification: Benign. Review status: criteria provided, single submitter. Criteria: ACMG Guidelines, 2015. Collection method: not provided. Allele origin: germline. Inheritance: Unknown mechanism. Affected: yes.